The following is an entry in ClinVar:

NM_004415.4(DSP):c.7837C>T (p.Leu2613=)

Gene: DSP (desmoplakin; plus strand). Cytogenetic location: 6p24.3.
Variant type: single nucleotide variant.
Coding change: c.7837C>T on transcript NM_004415.4 (MANE Select); coding-DNA position 7837, C replaced by T.
Protein change: p.Leu2613=; no amino-acid change (leucine 2613 retained).
Molecular consequence: synonymous variant.
Genome position (GRCh38, 1-based): chr6:7,585,099, C>T. VCF-style: chr6-7585099-C-T. GRCh37 (hg19) VCF-style: chr6-7585332-C-T.
Other names: c.6040C>T, p.Leu2014= (NM_001008844.3); c.6508C>T, p.Leu2170= (NM_001319034.2).
Identifiers: ClinVar variation 793643 (VCV000793643.11), dbSNP rs1286275087, ClinGen allele CA448716648.

ClinVar aggregate classification (germline): Likely benign. Review status: criteria provided, multiple submitters, no conflicts (2 of 4 stars). 3 submissions from 3 submitters: Likely benign (3). Last evaluated 2024-09-26.

Conditions:
Arrhythmogenic cardiomyopathy with wooly hair and keratoderma. Also called: Carvajal syndrome; Dilated cardiomyopathy with woolly hair and keratoderma; Arrhythmogenic cardiomyopathy with woolly hair and keratoderma; PALMOPLANTAR KERATODERMA WITH LEFT VENTRICULAR CARDIOMYOPATHY AND WOOLLY HAIR. Identifiers: Orphanet 65282, MedGen C1854063, MONDO:0011581, OMIM 605676.
Cardiomyopathy (CMYO). Also called: Cardiomyopathies. Identifiers: Orphanet 167848, MedGen C0878544, MONDO:0004994, HP:0001638. Inheritance: Various modes of inheritance.
Arrhythmogenic right ventricular dysplasia 8 (ARVD8). Also called: ARRHYTHMOGENIC RIGHT VENTRICULAR DYSPLASIA, FAMILIAL, 8; ARRHYTHMOGENIC RIGHT VENTRICULAR CARDIOMYOPATHY 8; Arrhythmogenic Right Ventricular Dysplasia/Cardiomyopathy 8. Identifiers: MedGen C1843896, MONDO:0011831, OMIM 607450.

Allele frequency attached by ClinVar (database versions not stated): gnomAD exomes below 0.00001.
gnomAD v4.1: 4 of 1,614,126 alleles (0.00025%); highest among the groups gnomAD compares: Middle Eastern, 0.016%; no homozygotes.

Submissions (3):

All of Us Research Program, National Institutes of Health
Classification: Likely benign for Arrhythmogenic cardiomyopathy with wooly hair and keratoderma. Last evaluated: 2024-09-26. Review status: criteria provided, single submitter. Criteria: ACMG Guidelines, 2015. Collection method: clinical testing. Allele origin: germline. Inheritance: Autosomal dominant inheritance. Observed: 1 variant allele, 1 heterozygote.
Comment: This study involves interpretation of variants in research participants for the purpose of population health screening. Participant phenotype was not available at the time of variant classification. Additional details can be found in publication PMID: 35346344, PMCID: PMC8962531

Color Diagnostics, LLC DBA Color Health
Classification: Likely benign for Cardiomyopathy. Last evaluated: 2024-08-13. Review status: criteria provided, single submitter. Criteria: ACMG Guidelines, 2015. Collection method: clinical testing. Allele origin: germline.

Labcorp Genetics (formerly Invitae), Labcorp
Classification: Likely benign for Arrhythmogenic cardiomyopathy with wooly hair and keratoderma; Arrhythmogenic right ventricular dysplasia 8. Last evaluated: 2022-06-10. Review status: criteria provided, single submitter. Criteria: Invitae Variant Classification Sherloc (09022015). Collection method: clinical testing. Allele origin: germline.